The following is an entry in ClinVar:

ClinVar aggregate classification (germline): Likely pathogenic (1 of 4 stars; one submission).

Conditions:
Myopathy, proximal, and ophthalmoplegia (CMYO6). Also called: CONGENITAL MYOPATHY 6 WITH OPHTHALMOPLEGIA; MYOPATHY WITH CONGENITAL JOINT CONTRACTURES, OPHTHALMOPLEGIA, AND RIMMED VACUOLES; INCLUSION BODY MYOPATHY 3, AUTOSOMAL DOMINANT. Identifiers: Orphanet 363677, Orphanet 79091, MedGen C1854106, MONDO:0011577, OMIM 605637.

Submission:

Labcorp Genetics (formerly Invitae), Labcorp
Classification: Likely pathogenic for Myopathy, proximal, and ophthalmoplegia. Last evaluated: 2024-02-24. Review status: criteria provided, single submitter. Criteria: Invitae Variant Classification Sherloc (09022015). Collection method: clinical testing. Allele origin: germline.
Comment: This sequence change affects an acceptor splice site in intron 8 of the MYH2 gene. It is expected to disrupt RNA splicing. Variants that disrupt the donor or acceptor splice site typically lead to a loss of protein function (PMID: 16199547), and loss-of-function variants in MYH2 are known to be pathogenic (PMID: 20418530, 23388406, 24193343). This variant is not present in population databases (gnomAD no frequency). This variant has not been reported in the literature in individuals affected with MYH2-related conditions. ClinVar contains an entry for this variant (Variation ID: 1491186). Algorithms developed to predict the effect of sequence changes on RNA splicing suggest that this variant may disrupt the consensus splice site. In summary, the currently available evidence indicates that the variant is pathogenic, but additional data are needed to prove that conclusively. Therefore, this variant has been classified as Likely Pathogenic.

Literature cited by the submitters: PubMed 16199547; PubMed 20418530; PubMed 23388406; PubMed 24193343.

NM_017534.6(MYH2):c.742-1G>C

Genes: MYHAS (myosin heavy chain gene cluster antisense RNA; plus strand), MYH2 (myosin heavy chain 2; minus strand), LOC126862501 (CDK7 strongly-dependent group 2 enhancer GRCh37_chr17:10446256-10447455; plus strand). Cytogenetic location: 17p13.1.
Variant type: single nucleotide variant.
Coding change: c.742-1G>C on transcript NM_017534.6 (MANE Select); the canonical splice acceptor site of the intron before coding-DNA position 742, G replaced by C.
Molecular consequence: splice acceptor variant.
Genome position (GRCh38, 1-based): chr17:10,543,162, C>G on the plus strand (G>C on the coding strand, the complement: MYH2 is on the minus strand). VCF-style: chr17-10543162-C-G. GRCh37 (hg19) VCF-style: chr17-10446479-C-G.
Other names: c.742-1G>C (NM_001100112.2).
Identifiers: ClinVar variation 1491186 (VCV001491186.6), dbSNP rs2142318412, ClinGen allele CA398167456.